The following is an entry in ClinVar:

NM_033310.3(KCNK4):c.221A>G (p.Asp74Gly)

Genes: KCNK4 (potassium two pore domain channel subfamily K member 4; plus strand), KCNK4-CATSPERZ (KCNK4-CATSPERZ readthrough (NMD candidate); plus strand). Cytogenetic location: 11q13.1.
Variant type: single nucleotide variant.
Coding change: c.221A>G on transcript NM_033310.3 (MANE Select); coding-DNA position 221, A replaced by G.
Protein change: p.Asp74Gly; replaces aspartic acid 74 with glycine.
Molecular consequence: missense variant. On other transcripts: non-coding transcript variant (3).
Genome position (GRCh38, 1-based): chr11:64,296,909, A>G. VCF-style: chr11-64296909-A-G. GRCh37 (hg19) VCF-style: chr11-64064381-A-G.
Other names: c.221A>G, p.Asp74Gly (NM_001317090.2); short protein forms D74G.
Identifiers: ClinVar variation 4734192 (VCV004734192.1).
Genomic context (GRCh38, chr11:64,296,909, plus strand): 5'-AGCTCCTCCTTCTGCACCTTGTCCTGCAGGAGGTGGCTGATGCCCTGGGAGGGGGTGCGG[A>G]CCCAGAAACCAACTCGACCAGCAACAGCAGCCACTCAGCCTGGGACCTGGGCAGCGCCTT-3'
Protein context (NP_201567.1, residues 64-84): EVADALGGGA[Asp74Gly]PETNSTSNSS

ClinVar aggregate classification (germline): Uncertain significance (1 of 4 stars; one submission).

gnomAD v4.1: 2 of 1,511,202 alleles (0.00013%); highest among the groups gnomAD compares: Non-Finnish European, 0.000088%; no homozygotes.

Submission:

Labcorp Genetics (formerly Invitae), Labcorp
Classification: Uncertain significance. Last evaluated: 2026-01-01. Review status: criteria provided, single submitter. Criteria: Invitae Variant Classification Sherloc (09022015). Collection method: clinical testing. Allele origin: germline.
Comment: This sequence change replaces aspartic acid, which is acidic and polar, with glycine, which is neutral and non-polar, at codon 74 of the KCNK4 protein (p.Asp74Gly). This variant is not present in population databases (gnomAD no frequency). This variant has not been reported in the literature in individuals affected with KCNK4-related conditions. An algorithm developed to predict the effect of missense changes on protein structure and function (PolyPhen-2) suggests that this variant is likely to be tolerated. In summary, the available evidence is currently insufficient to determine the role of this variant in disease. Therefore, it has been classified as a Variant of Uncertain Significance.